The following is an entry in ClinVar:

ClinVar aggregate classification (germline): Uncertain significance (1 of 4 stars; one submission).

Conditions:
Norman-Roberts syndrome (LIS2). Also called: Lissencephaly 2 (Norman-Roberts type). Identifiers: Orphanet 89844, MedGen C0796089, MONDO:0009760, OMIM 257320.
Familial temporal lobe epilepsy 7. Identifiers: Orphanet 101046, MedGen C4225327, MONDO:0014639, OMIM 616436.

Allele frequency attached by ClinVar (database versions not stated): gnomAD below 0.00001 and 0.00001; gnomAD exomes 0.00001; ExAC 0.00002.
gnomAD v4.1: 5 of 1,613,868 alleles (0.00031%); highest among the groups gnomAD compares: South Asian, 0.0033%; no homozygotes.

Submission:

Labcorp Genetics (formerly Invitae), Labcorp
Classification: Uncertain significance for Familial temporal lobe epilepsy 7; Norman-Roberts syndrome. Last evaluated: 2024-02-17. Review status: criteria provided, single submitter. Criteria: Invitae Variant Classification Sherloc (09022015). Collection method: clinical testing. Allele origin: germline.
Comment: This sequence change replaces glutamine, which is neutral and polar, with histidine, which is basic and polar, at codon 1437 of the RELN protein (p.Gln1437His). This variant is present in population databases (rs770565114, gnomAD 0.006%). This variant has not been reported in the literature in individuals affected with RELN-related conditions. ClinVar contains an entry for this variant (Variation ID: 1045936). Advanced modeling of protein sequence and biophysical properties (such as structural, functional, and spatial information, amino acid conservation, physicochemical variation, residue mobility, and thermodynamic stability) performed at Invitae indicates that this missense variant is not expected to disrupt RELN protein function with a negative predictive value of 80%. In summary, the available evidence is currently insufficient to determine the role of this variant in disease. Therefore, it has been classified as a Variant of Uncertain Significance.

NM_005045.4(RELN):c.4311A>T (p.Gln1437His)

Gene: RELN (reelin; minus strand). Cytogenetic location: 7q22.1.
Variant type: single nucleotide variant.
Coding change: c.4311A>T on transcript NM_005045.4 (MANE Select); coding-DNA position 4311, A replaced by T.
Protein change: p.Gln1437His; replaces glutamine 1437 with histidine.
Molecular consequence: missense variant.
Genome position (GRCh38, 1-based): chr7:103,574,292, T>A on the plus strand (A>T on the coding strand, the complement: RELN is on the minus strand). VCF-style: chr7-103574292-T-A. GRCh37 (hg19) VCF-style: chr7-103214739-T-A.
Other names: c.4311A>T, p.Gln1437His (NM_173054.3); short protein forms Q1437H.
Identifiers: ClinVar variation 1045936 (VCV001045936.9), dbSNP rs770565114, ClinGen allele CA4421543.